The following is an entry in ClinVar:

ClinVar aggregate classification (germline): Likely benign. Review status: criteria provided, multiple submitters, no conflicts (2 of 4 stars). 5 submissions from 5 submitters: Likely benign (4). 1 of the submissions does not count toward it. Last evaluated 2026-03-27.

Conditions:
Cardiovascular phenotype. Identifiers: MedGen CN230736.
FLNC-related disorder. Also called: FLNC-related disorders; FLNC-related condition.
Myofibrillar myopathy 5. Also called: Filaminopathy (type); FILAMINOPATHY, AUTOSOMAL DOMINANT. Identifiers: Orphanet 171445, MedGen C1836050, MONDO:0012289, OMIM 609524.
Distal myopathy with posterior leg and anterior hand involvement. Also called: WILLIAMS DISTAL MYOPATHY. Identifiers: Orphanet 63273, MedGen C3279722, MONDO:0013550, OMIM 614065.
Hypertrophic cardiomyopathy 26. Also called: Cardiomyopathy, familial hypertrophic, 26. Identifiers: Orphanet 75249, MedGen C4310749, MONDO:0014883, OMIM 617047.

Allele frequency attached by ClinVar (database versions not stated): ExAC 0.00005; ESP Exome Variant Server 0.00008.
gnomAD v4.1: 131 of 1,613,854 alleles (0.0081%); highest among the groups gnomAD compares: Non-Finnish European, 0.011%; no homozygotes.

Submissions (5):

Molecular Diagnostic Laboratory for Inherited Cardiovascular Disease, Montreal Heart Institute
Classification: Likely benign. Last evaluated: 2026-03-27. Review status: criteria provided, single submitter. Criteria: ACMG Guidelines, 2015. Collection method: clinical testing. Allele origin: germline. Affected: no.
Comment: BP7

Labcorp Genetics (formerly Invitae), Labcorp
Classification: Likely benign for Distal myopathy with posterior leg and anterior hand involvement; Myofibrillar myopathy 5; Hypertrophic cardiomyopathy 26. Last evaluated: 2025-10-20. Review status: criteria provided, single submitter. Criteria: Invitae Variant Classification Sherloc (09022015). Collection method: clinical testing. Allele origin: germline.

ARUP Laboratories, Molecular Genetics and Genomics, ARUP Laboratories
Classification: Likely benign. Last evaluated: 2023-12-19. Review status: criteria provided, single submitter. Criteria: ARUP Molecular Germline Variant Investigation Process 2024. Collection method: clinical testing. Allele origin: germline.

Ambry Genetics
Classification: Likely benign for Cardiovascular phenotype. Last evaluated: 2022-12-04. Review status: criteria provided, single submitter. Criteria: Ambry Variant Classification Scheme 2023. Collection method: clinical testing. Allele origin: germline.

PreventionGenetics, part of Exact Sciences
Classification: Likely benign for FLNC-related condition. Last evaluated: 2020-08-17. Review status: no assertion criteria provided. Collection method: clinical testing. Allele origin: germline. Not counted in ClinVar's aggregate classification.
Comment: This variant is classified as likely benign based on ACMG/AMP sequence variant interpretation guidelines (Richards et al. 2015 PMID: 25741868, with internal and published modifications).

NM_001458.5(FLNC):c.4293C>T (p.Ser1431=)

Gene: FLNC (filamin C; plus strand). Cytogenetic location: 7q32.1.
Variant type: single nucleotide variant.
Coding change: c.4293C>T on transcript NM_001458.5 (MANE Select); coding-DNA position 4293, C replaced by T.
Protein change: p.Ser1431=; no amino-acid change (serine 1431 retained).
Molecular consequence: synonymous variant.
Genome position (GRCh38, 1-based): chr7:128,847,701, C>T. VCF-style: chr7-128847701-C-T. GRCh37 (hg19) VCF-style: chr7-128487755-C-T.
Other names: c.4293C>T (NM_001458.4); c.4293C>T, p.Ser1431= (NM_001127487.2).
Identifiers: ClinVar variation 1133425 (VCV001133425.14), dbSNP rs376429779, ClinGen allele CA4475305.